The following is an entry in ClinVar:

NC_000011.9:g.(?_108119640)_(108122778_?)del

Gene: ATM (ATM serine/threonine kinase; plus strand). Cytogenetic location: 11q22.3.
Variant type: Deletion.
Identifiers: ClinVar variation 3244485 (VCV003244485.1).

ClinVar aggregate classification (germline): Pathogenic (1 of 4 stars; one submission).

Conditions:
Ataxia-telangiectasia syndrome (AT). Also called: LOUIS-BAR SYNDROME; Cerebello-oculocutaneous telangiectasia; Immunodeficiency with ataxia telangiectasia; AT, COMPLEMENTATION GROUP C; Ataxia-telangiectasia, complementation group D; ATAXIA-TELANGIECTASIA, COMPLEMENTATION GROUP A. Identifiers: Orphanet 100, MedGen C0004135, MONDO:0008840, OMIM 208900.

Submission:

Labcorp Genetics (formerly Invitae), Labcorp
Classification: Pathogenic for Ataxia-telangiectasia syndrome. Last evaluated: 2023-01-02. Review status: criteria provided, single submitter. Criteria: Invitae Variant Classification Sherloc (09022015). Collection method: clinical testing. Allele origin: unknown.
Comment: For these reasons, this variant has been classified as Pathogenic. This variant has not been reported in the literature in individuals affected with ATM-related conditions. This variant is a gross deletion of the genomic region encompassing exon(s) 9-11 of the ATM gene. This deletion is out-of-frame, and is expected to create a premature termination codon and result in an absent or disrupted protein product. Loss-of-function variants in ATM are known to be pathogenic (PMID: 23807571, 25614872).

Literature cited by the submitters: PubMed 23807571; PubMed 25614872.